The following is an entry in ClinVar:

NM_000558.5(HBA1):c.416C>G (p.Ser139Cys)

Genes: HBA1 (hemoglobin subunit alpha 1; plus strand), LOC106804613 (hemoglobin subunit alpha 1 recombination region; plus strand). Cytogenetic location: 16p13.3.
Variant type: single nucleotide variant.
Coding change: c.416C>G on transcript NM_000558.5 (MANE Select); coding-DNA position 416, C replaced by G.
Protein change: p.Ser139Cys; replaces serine 139 with cysteine.
Molecular consequence: missense variant.
Genome position (GRCh38, 1-based): chr16:177,398, C>G. VCF-style: chr16-177398-C-G. GRCh37 (hg19) VCF-style: chr16-227397-C-G.
Other names: short protein forms S139C.
Identifiers: ClinVar variation 993935 (VCV000993935.8), dbSNP rs63749989, ClinGen allele CA276417290.

ClinVar aggregate classification (germline): Uncertain significance (1 of 4 stars; one submission).

Allele frequency attached by ClinVar (database versions not stated): TOPMed below 0.00001.

Submission:

ARUP Laboratories, Molecular Genetics and Genomics, ARUP Laboratories
Classification: Uncertain significance. Last evaluated: 2019-11-22. Review status: criteria provided, single submitter. Criteria: ARUP Molecular Germline Variant Investigation Process. Collection method: clinical testing. Allele origin: germline.
Comment: The Hb Ecuador (HBA1: c.416C>G; p.Ser139Cys, also known as Ser138Cys when numbered from the mature protein, rs63749989) has been reported in the heterozygous state in at least one individual with no associated clinical symptoms (see link to HbVar). This variant is absent from general population databases (Exome Variant Server, Genome Aggregation Database), indicating it is not a common polymorphism. The serine at codon 139 is highly conserved, and computational analyses (SIFT, PolyPhen-2) predict that this variant is deleterious. Due to limited information, the clinical significance of the Hb Ecuador variant is uncertain at this time. References: Link to HbVar for Hb Ecuador